The following is an entry in ClinVar:

ClinVar aggregate classification (germline): Uncertain significance. Review status: criteria provided, multiple submitters, no conflicts (2 of 4 stars). 2 submissions from 2 submitters: Uncertain significance (2). Last evaluated 2025-12-03.

Conditions:
Inborn genetic diseases. Identifiers: MedGen C0950123, MeSH D030342.

Allele frequency attached by ClinVar (database versions not stated): ExAC 0.00001; TOPMed 0.00001; gnomAD exomes 0.00002.

Submissions (2):

Labcorp Genetics (formerly Invitae), Labcorp
Classification: Uncertain significance. Last evaluated: 2025-12-03. Review status: criteria provided, single submitter. Criteria: Invitae Variant Classification Sherloc (09022015). Collection method: clinical testing. Allele origin: germline.
Comment: This sequence change replaces glycine, which is neutral and non-polar, with arginine, which is basic and polar, at codon 509 of the CDH2 protein (p.Gly509Arg). This variant is present in population databases (rs750142878, gnomAD 0.004%). This variant has not been reported in the literature in individuals affected with CDH2-related conditions. ClinVar contains an entry for this variant (Variation ID: 1515008). An algorithm developed to predict the effect of missense changes on protein structure and function (PolyPhen-2) suggests that this variant is likely to be disruptive. In summary, the available evidence is currently insufficient to determine the role of this variant in disease. Therefore, it has been classified as a Variant of Uncertain Significance.

Ambry Genetics
Classification: Uncertain significance for Inborn genetic diseases. Last evaluated: 2023-12-20. Review status: criteria provided, single submitter. Criteria: Ambry Variant Classification Scheme 2023. Collection method: clinical testing. Allele origin: germline.

NM_001792.5(CDH2):c.1525G>A (p.Gly509Arg)

Gene: CDH2 (cadherin 2; minus strand). Cytogenetic location: 18q12.1.
Variant type: single nucleotide variant.
Coding change: c.1525G>A on transcript NM_001792.5 (MANE Select); coding-DNA position 1525, G replaced by A.
Protein change: p.Gly509Arg; replaces glycine 509 with arginine.
Molecular consequence: missense variant.
Genome position (GRCh38, 1-based): chr18:27,990,170, C>T on the plus strand (G>A on the coding strand, the complement: CDH2 is on the minus strand). VCF-style: chr18-27990170-C-T. GRCh37 (hg19) VCF-style: chr18-25570134-C-T.
Other names: c.1432G>A, p.Gly478Arg (NM_001308176.2); short protein forms G478R, G509R.
Identifiers: ClinVar variation 1515008 (VCV001515008.8), dbSNP rs750142878, ClinGen allele CA8923374.